The following is an entry in ClinVar:

NM_000257.4(MYH7):c.3110C>G (p.Ser1037Cys)

Gene: MYH7 (myosin heavy chain 7; minus strand). Cytogenetic location: 14q11.2.
Variant type: single nucleotide variant.
Coding change: c.3110C>G on transcript NM_000257.4 (MANE Select); coding-DNA position 3110, C replaced by G.
Protein change: p.Ser1037Cys; replaces serine 1037 with cysteine.
Molecular consequence: missense variant.
Genome position (GRCh38, 1-based): chr14:23,422,315, G>C on the plus strand (C>G on the coding strand, the complement: MYH7 is on the minus strand). VCF-style: chr14-23422315-G-C. GRCh37 (hg19) VCF-style: chr14-23891524-G-C.
Other names: short protein forms S1037C.
Identifiers: ClinVar variation 1171386 (VCV001171386.3), dbSNP rs1159928168, ClinGen allele CA389045509.

ClinVar aggregate classification (germline): Uncertain significance (1 of 4 stars; one submission).

Conditions:
Cardiomyopathy (CMYO). Also called: Cardiomyopathies. Identifiers: Orphanet 167848, MedGen C0878544, MONDO:0004994, HP:0001638. Inheritance: Various modes of inheritance.

gnomAD v4.1: 1 of 1,614,170 alleles (0.000062%); highest among the groups gnomAD compares: Non-Finnish European, 0.000085%; no homozygotes.

Submission:

Color Diagnostics, LLC DBA Color Health
Classification: Uncertain significance for Cardiomyopathy. Last evaluated: 2024-03-07. Review status: criteria provided, single submitter. Criteria: ACMG Guidelines, 2015. Collection method: clinical testing. Allele origin: germline.
Comment: This missense variant replaces serine with cysteine at codon 1037 of the MYH7 protein. Computational prediction suggests that this variant may have deleterious impact on protein structure and function (internally defined REVEL score threshold >= 0.7, PMID: 27666373). To our knowledge, functional studies have not been reported for this variant. This variant has not been reported in individuals affected with cardiovascular disorders in the literature. This variant has not been identified in the general population by the Genome Aggregation Database (gnomAD). The available evidence is insufficient to determine the role of this variant in disease conclusively. Therefore, this variant is classified as a Variant of Uncertain Significance.